The following is an entry in ClinVar:

NM_001100913.3(PACS2):c.1292G>C (p.Arg431Pro)

Gene: PACS2 (phosphofurin acidic cluster sorting protein 2; plus strand). Cytogenetic location: 14q32.33.
Variant type: single nucleotide variant.
Coding change: c.1292G>C on transcript NM_001100913.3 (MANE Select); coding-DNA position 1292, G replaced by C.
Protein change: p.Arg431Pro; replaces arginine 431 with proline.
Molecular consequence: missense variant.
Genome position (GRCh38, 1-based): chr14:105,381,937, G>C. VCF-style: chr14-105381937-G-C. GRCh37 (hg19) VCF-style: chr14-105848274-G-C.
Other names: c.1067G>C, p.Arg356Pro (NM_001243127.3); c.1292G>C, p.Arg431Pro (NM_015197.4); short protein forms R356P, R431P.
Identifiers: ClinVar variation 3679217 (VCV003679217.2).

ClinVar aggregate classification (germline): Uncertain significance (1 of 4 stars; one submission).

gnomAD v4.1: 9 of 1,550,694 alleles (0.00058%); highest among the groups gnomAD compares: South Asian, 0.0012%; no homozygotes.

Submission:

Labcorp Genetics (formerly Invitae), Labcorp
Classification: Uncertain significance. Last evaluated: 2024-09-30. Review status: criteria provided, single submitter. Criteria: Invitae Variant Classification Sherloc (09022015). Collection method: clinical testing. Allele origin: germline.
Comment: This sequence change replaces arginine, which is basic and polar, with proline, which is neutral and non-polar, at codon 431 of the PACS2 protein (p.Arg431Pro). This variant is not present in population databases (gnomAD no frequency). This variant has not been reported in the literature in individuals affected with PACS2-related conditions. Invitae Evidence Modeling of protein sequence and biophysical properties (such as structural, functional, and spatial information, amino acid conservation, physicochemical variation, residue mobility, and thermodynamic stability) indicates that this missense variant is not expected to disrupt PACS2 protein function with a negative predictive value of 80%. In summary, the available evidence is currently insufficient to determine the role of this variant in disease. Therefore, it has been classified as a Variant of Uncertain Significance.